The following is an entry in ClinVar:

ClinVar aggregate classification (germline): Likely benign (0 of 4 stars; one submission).

Conditions:
PLXNA4-related disorder. Also called: PLXNA4-related condition.

Allele frequency attached by ClinVar (database versions not stated): ExAC 0.00007.
gnomAD v4.1: 144 of 1,614,228 alleles (0.0089%); highest among the groups gnomAD compares: South Asian, 0.021%; no homozygotes.

Submission:

PreventionGenetics, part of Exact Sciences
Classification: Likely benign for PLXNA4-related condition. Last evaluated: 2021-07-23. Review status: no assertion criteria provided. Collection method: clinical testing. Allele origin: germline.
Comment: This variant is classified as likely benign based on ACMG/AMP sequence variant interpretation guidelines (Richards et al. 2015 PMID: 25741868, with internal and published modifications).

NM_020911.2(PLXNA4):c.630G>A (p.Ala210=)

Gene: PLXNA4 (plexin A4; minus strand). Cytogenetic location: 7q32.3.
Variant type: single nucleotide variant.
Coding change: c.630G>A on transcript NM_020911.2 (MANE Select); coding-DNA position 630, G replaced by A.
Protein change: p.Ala210=; no amino-acid change (alanine 210 retained).
Molecular consequence: synonymous variant.
Genome position (GRCh38, 1-based): chr7:132,508,064, C>T on the plus strand (G>A on the coding strand, the complement: PLXNA4 is on the minus strand). VCF-style: chr7-132508064-C-T. GRCh37 (hg19) VCF-style: chr7-132192823-C-T.
Other names: c.630G>A, p.Ala210= (NM_001105543.2, NM_001393897.1, NM_181775.4).
Identifiers: ClinVar variation 3030473 (VCV003030473.2), dbSNP rs771658621, ClinGen allele CA4490468.